The following is an entry in ClinVar:

NM_000393.5(COL5A2):c.1799G>A (p.Gly600Asp)

Gene: COL5A2 (collagen type V alpha 2 chain; minus strand). Cytogenetic location: 2q32.2.
Variant type: single nucleotide variant.
Coding change: c.1799G>A on transcript NM_000393.5 (MANE Select); coding-DNA position 1799, G replaced by A.
Protein change: p.Gly600Asp; replaces glycine 600 with aspartic acid.
Molecular consequence: missense variant.
Genome position (GRCh38, 1-based): chr2:189,063,242, C>T on the plus strand (G>A on the coding strand, the complement: COL5A2 is on the minus strand). VCF-style: chr2-189063242-C-T. GRCh37 (hg19) VCF-style: chr2-189927968-C-T.
Other names: short protein forms G600D.
Identifiers: ClinVar variation 3661812 (VCV003661812.2).

ClinVar aggregate classification (germline): Uncertain significance (1 of 4 stars; one submission).

Conditions:
Ehlers-Danlos syndrome, classic type, 1 (EDSCL1). Also called: EHLERS-DANLOS SYNDROME, GRAVIS TYPE; EHLERS-DANLOS SYNDROME, SEVERE CLASSIC TYPE; Ehlers-Danlos syndrome, type 1; Ehlers-Danlos Syndrome, Classic Type, COL5A1-Related; EDS I. Identifiers: MedGen C0268335, MONDO:0019567, OMIM 130000.

Submission:

Labcorp Genetics (formerly Invitae), Labcorp
Classification: Uncertain significance for Ehlers-Danlos syndrome, classic type, 1. Last evaluated: 2024-08-13. Review status: criteria provided, single submitter. Criteria: Invitae Variant Classification Sherloc (09022015). Collection method: clinical testing. Allele origin: germline.
Comment: This sequence change replaces glycine, which is neutral and non-polar, with aspartic acid, which is acidic and polar, at codon 600 of the COL5A2 protein (p.Gly600Asp). This variant is not present in population databases (gnomAD no frequency). This variant has not been reported in the literature in individuals affected with COL5A2-related conditions. Invitae Evidence Modeling of protein sequence and biophysical properties (such as structural, functional, and spatial information, amino acid conservation, physicochemical variation, residue mobility, and thermodynamic stability) has been performed for this missense variant. However, the output from this modeling did not meet the statistical confidence thresholds required to predict the impact of this variant on COL5A2 protein function. In summary, the available evidence is currently insufficient to determine the role of this variant in disease. Therefore, it has been classified as a Variant of Uncertain Significance.